The following is an entry in ClinVar:

NM_000308.4(CTSA):c.115C>G (p.Pro39Ala)

Gene: CTSA (cathepsin A; plus strand). Cytogenetic location: 20q13.12.
Variant type: single nucleotide variant.
Coding change: c.115C>G on transcript NM_000308.4 (MANE Select); coding-DNA position 115, C replaced by G.
Protein change: p.Pro39Ala; replaces proline 39 with alanine.
Molecular consequence: missense variant. On other transcripts: non-coding transcript variant (1).
Genome position (GRCh38, 1-based): chr20:45,891,683, C>G. VCF-style: chr20-45891683-C-G. GRCh37 (hg19) VCF-style: chr20-44520322-C-G.
Other names: c.115C>G, p.Pro39Ala (NM_001127695.3, NM_001167594.3); short protein forms P57A, P39A.
Identifiers: ClinVar variation 569696 (VCV000569696.5), dbSNP rs1483740187, ClinGen allele CA409248046.

ClinVar aggregate classification (germline): Uncertain significance (1 of 4 stars; one submission).

Conditions:
Combined deficiency of sialidase AND beta galactosidase (GSL). Also called: Galactosialidosis; NEURAMINIDASE DEFICIENCY WITH BETA-GALACTOSIDASE DEFICIENCY; NEURAMINIDASE/BETA-GALACTOSIDASE EXPRESSION; PPCA DEFICIENCY; PROTECTIVE PROTEIN/CATHEPSIN A DEFICIENCY; CATHEPSIN A DEFICIENCY. Identifiers: Orphanet 351, MedGen C0268233, MONDO:0009737, OMIM 256540.

Submission:

Labcorp Genetics (formerly Invitae), Labcorp
Classification: Uncertain significance for Combined deficiency of sialidase AND beta galactosidase. Last evaluated: 2025-03-17. Review status: criteria provided, single submitter. Criteria: Invitae Variant Classification Sherloc (09022015). Collection method: clinical testing. Allele origin: germline.
Comment: This sequence change replaces proline, which is neutral and non-polar, with alanine, which is neutral and non-polar, at codon 57 of the CTSA protein (p.Pro57Ala). This variant is not present in population databases (gnomAD no frequency). This variant has not been reported in the literature in individuals affected with CTSA-related conditions. ClinVar contains an entry for this variant (Variation ID: 569696). Invitae Evidence Modeling of protein sequence and biophysical properties (such as structural, functional, and spatial information, amino acid conservation, physicochemical variation, residue mobility, and thermodynamic stability) indicates that this missense variant is expected to disrupt CTSA protein function with a positive predictive value of 80%. In summary, the available evidence is currently insufficient to determine the role of this variant in disease. Therefore, it has been classified as a Variant of Uncertain Significance.